The following is an entry in ClinVar:

NM_032638.5(GATA2):c.1143+2dup

Gene: GATA2 (GATA binding protein 2; minus strand). Cytogenetic location: 3q21.3.
Variant type: Duplication.
Coding change: c.1143+2dup on transcript NM_032638.5 (MANE Select); the canonical splice donor site of the intron after coding-DNA position 1143, one base duplicated (T; older notation c.1143+2dupT).
Molecular consequence: splice donor variant.
Genome position (GRCh38, 1-based): chr3:128,481,817, A duplicated on the plus strand (T on the coding strand, the reverse complement: GATA2 is on the minus strand). VCF-style (leftmost placement, unchanged base first): chr3-128481816-C-CA. GRCh37 (hg19) VCF-style: chr3-128200659-C-CA.
Other names: c.1101+2dup (NM_001145662.1); c.1143+2dup (NM_001145661.2).
Identifiers: ClinVar variation 2002493 (VCV002002493.4), dbSNP rs2472920684, ClinGen allele CA2580068707.

ClinVar aggregate classification (germline): Uncertain significance (1 of 4 stars; one submission).

Conditions:
Deafness-lymphedema-leukemia syndrome. Also called: Lymphedema, primary, with myelodysplasia; Emberger syndrome. Identifiers: Orphanet 3226, MedGen C3279664, MONDO:0013540, OMIM 614038.
Monocytopenia with susceptibility to infections. Also called: MONOCYTOPENIA AND MYCOBACTERIAL INFECTION SYNDROME; MONOCYTOPENIA WITH SUSCEPTIBILITY TO MYCOBACTERIAL, FUNGAL, AND PAPILLOMAVIRUS INFECTIONS AND MYELODYSPLASIA; COMBINED IMMUNODEFICIENCY WITH SUSCEPTIBILITY TO MYCOBACTERIAL, VIRAL, AND FUNGAL INFECTIONS; Dendritic cell, monocyte, B lymphocyte, and natural killer lymphocyte deficiency; IMMUNODEFICIENCY 21; GATA2 DEFICIENCY. Identifiers: Orphanet 228423, MedGen C3280030, MONDO:0013607, OMIM 614172.

Submission:

Labcorp Genetics (formerly Invitae), Labcorp
Classification: Uncertain significance for Monocytopenia with susceptibility to infections; Deafness-lymphedema-leukemia syndrome. Last evaluated: 2022-06-05. Review status: criteria provided, single submitter. Criteria: Invitae Variant Classification Sherloc (09022015). Collection method: clinical testing. Allele origin: germline.
Comment: This sequence change falls in intron 5 of the GATA2 gene. It does not directly change the encoded amino acid sequence of the GATA2 protein. It affects a nucleotide within the consensus splice site. This variant is not present in population databases (gnomAD no frequency). This variant has not been reported in the literature in individuals affected with GATA2-related conditions. Variants that disrupt the consensus splice site are a relatively common cause of aberrant splicing (PMID: 17576681, 9536098). Algorithms developed to predict the effect of sequence changes on RNA splicing suggest that this variant may disrupt the consensus splice site. In summary, the available evidence is currently insufficient to determine the role of this variant in disease. Therefore, it has been classified as a Variant of Uncertain Significance.

Literature cited by the submitters: PubMed 17576681; PubMed 9536098.